The following is an entry in ClinVar:

NM_000282.4(PCCA):c.832A>G (p.Lys278Glu)

Gene: PCCA (propionyl-CoA carboxylase subunit alpha; plus strand). Cytogenetic location: 13q32.3.
Variant type: single nucleotide variant.
Coding change: c.832A>G on transcript NM_000282.4 (MANE Select); coding-DNA position 832, A replaced by G.
Protein change: p.Lys278Glu; replaces lysine 278 with glutamic acid.
Molecular consequence: missense variant. On other transcripts: 5 prime UTR variant (3), non-coding transcript variant (5).
Genome position (GRCh38, 1-based): chr13:100,268,701, A>G. VCF-style: chr13-100268701-A-G. GRCh37 (hg19) VCF-style: chr13-100920955-A-G.
Other names: c.754A>G, p.Lys252Glu (NM_001127692.3, NM_001352607.2, NM_001352608.2); c.832A>G, p.Lys278Glu (NM_001178004.2, NM_001352605.2, NM_001352606.2 and 1 more transcripts); c.-114A>G (NM_001352610.2, NM_001352611.2, NM_001352612.2); short protein forms K252E, K278E.
Identifiers: ClinVar variation 660393 (VCV000660393.6), dbSNP rs1595032543, ClinGen allele CA388694472.

ClinVar aggregate classification (germline): Uncertain significance (1 of 4 stars; one submission).

Conditions:
Propionic acidemia (PROP). Also called: GLYCINEMIA, KETOTIC; HYPERGLYCINEMIA WITH KETOACIDOSIS AND LEUKOPENIA; KETOTIC HYPERGLYCINEMIA. Identifiers: Orphanet 35, MedGen C0268579, MONDO:0011628, OMIM 606054, HP:0003571.

Submission:

Labcorp Genetics (formerly Invitae), Labcorp
Classification: Uncertain significance for Propionic acidemia. Last evaluated: 2022-01-15. Review status: criteria provided, single submitter. Criteria: Invitae Variant Classification Sherloc (09022015). Collection method: clinical testing. Allele origin: germline.
Comment: This sequence change replaces lysine, which is basic and polar, with glutamic acid, which is acidic and polar, at codon 278 of the PCCA protein (p.Lys278Glu). This variant is not present in population databases (gnomAD no frequency). This variant has not been reported in the literature in individuals affected with PCCA-related conditions. ClinVar contains an entry for this variant (Variation ID: 660393). Advanced modeling of protein sequence and biophysical properties (such as structural, functional, and spatial information, amino acid conservation, physicochemical variation, residue mobility, and thermodynamic stability) performed at Invitae indicates that this missense variant is not expected to disrupt PCCA protein function. In summary, the available evidence is currently insufficient to determine the role of this variant in disease. Therefore, it has been classified as a Variant of Uncertain Significance.